The following is an entry in ClinVar:

NM_001378454.1(ALMS1):c.4135A>G (p.Thr1379Ala)

Gene: ALMS1 (ALMS1 centrosome and basal body associated protein; plus strand). Cytogenetic location: 2p13.1.
Variant type: single nucleotide variant.
Coding change: c.4135A>G on transcript NM_001378454.1 (MANE Select); coding-DNA position 4135, A replaced by G.
Protein change: p.Thr1379Ala; replaces threonine 1379 with alanine.
Molecular consequence: missense variant.
Genome position (GRCh38, 1-based): chr2:73,450,662, A>G. VCF-style: chr2-73450662-A-G. GRCh37 (hg19) VCF-style: chr2-73677789-A-G.
Other names: c.4138A>G, p.Thr1380Ala (NM_015120.4); short protein forms T1379A, T1380A.
Identifiers: ClinVar variation 5017341 (VCV005017341.1).

ClinVar aggregate classification (germline): Uncertain significance (1 of 4 stars; one submission).

Submission:

GeneDx
Classification: Uncertain significance. Last evaluated: 2026-04-02. Review status: criteria provided, single submitter. Criteria: GeneDx Variant Classification Process June 2021. Collection method: clinical testing. Allele origin: germline.
Comment: Not observed at significant frequency in large population cohorts (gnomAD); In silico analysis suggests that this missense variant does not alter protein structure/function; Has not been previously published as pathogenic or benign to our knowledge